The following is an entry in ClinVar:

NM_012414.4(RAB3GAP2):c.718G>C (p.Ala240Pro)

Gene: RAB3GAP2 (RAB3 GTPase activating non-catalytic protein subunit 2; minus strand). Cytogenetic location: 1q41.
Variant type: single nucleotide variant.
Coding change: c.718G>C on transcript NM_012414.4 (MANE Select); coding-DNA position 718, G replaced by C.
Protein change: p.Ala240Pro; replaces alanine 240 with proline.
Molecular consequence: missense variant.
Genome position (GRCh38, 1-based): chr1:220,202,369, C>G on the plus strand (G>C on the coding strand, the complement: RAB3GAP2 is on the minus strand). VCF-style: chr1-220202369-C-G. GRCh37 (hg19) VCF-style: chr1-220375711-C-G.
Other names: short protein forms A240P.
Identifiers: ClinVar variation 1304564 (VCV001304564.3), dbSNP rs146337693, ClinGen allele CA1402916.

ClinVar aggregate classification (germline): Uncertain significance. Review status: criteria provided, multiple submitters, no conflicts (2 of 4 stars). 2 submissions from 2 submitters: Uncertain significance (2). Last evaluated 2022-08-16.

Conditions:
Warburg micro syndrome 2 (WARBM2). Also called: MICRO SYNDROME 2. Identifiers: Orphanet 2510, MedGen C3280214, MONDO:0013641, OMIM 614225.
Martsolf syndrome (MARTS). Also called: Congenital cataract with intellectual disability and hypogonadotropic hypogonadism syndrome. Identifiers: Orphanet 1387, MedGen C0796037, MONDO:0023910.

Allele frequency attached by ClinVar (database versions not stated): gnomAD 0.00001 and 0.00002; TOPMed 0.00001; ESP Exome Variant Server 0.00008.
gnomAD v4.1: 23 of 1,612,950 alleles (0.0014%); highest among the groups gnomAD compares: African/African-American, 0.0027%; no homozygotes.

Submissions (2):

Labcorp Genetics (formerly Invitae), Labcorp
Classification: Uncertain significance for Martsolf syndrome; Warburg micro syndrome 2. Last evaluated: 2022-08-16. Review status: criteria provided, single submitter. Criteria: Invitae Variant Classification Sherloc (09022015). Collection method: clinical testing. Allele origin: germline.
Comment: This sequence change replaces alanine, which is neutral and non-polar, with proline, which is neutral and non-polar, at codon 240 of the RAB3GAP2 protein (p.Ala240Pro). This variant is present in population databases (rs146337693, gnomAD 0.008%). This missense change has been observed in individual(s) with RAB3GAP2-related conditions (PMID: 25533962). This variant is also known as 220375711 C>G. ClinVar contains an entry for this variant (Variation ID: 1304564). Algorithms developed to predict the effect of missense changes on protein structure and function are either unavailable or do not agree on the potential impact of this missense change (SIFT: "Tolerated"; PolyPhen-2: "Probably Damaging"; Align-GVGD: "Class C0"). Algorithms developed to predict the effect of sequence changes on RNA splicing suggest that this variant may disrupt the consensus splice site. In summary, the available evidence is currently insufficient to determine the role of this variant in disease. Therefore, it has been classified as a Variant of Uncertain Significance.

GeneDx
Classification: Uncertain significance. Last evaluated: 2020-08-27. Review status: criteria provided, single submitter. Criteria: GeneDx Variant Classification Process June 2021. Collection method: clinical testing. Allele origin: germline. Affected: yes.
Comment: Reported in trans with another variant in an individual with congenital cataract, learning disability, and dysmorphic features (Deciphering Developmental Disorders Study; 2015); Not observed at a significant frequency in large population cohorts (Lek et al., 2016); In silico analysis supports that this missense variant has a deleterious effect on protein structure/function; This variant is associated with the following publications: (PMID: 25533962)

Literature cited by the submitters: PubMed 25533962 (cited by Labcorp Genetics (formerly Invitae), Labcorp).